The following is an entry in ClinVar:

ClinVar aggregate classification (germline): Conflicting classifications of pathogenicity. Review status: criteria provided, conflicting classifications (1 of 4 stars). 3 submissions from 3 submitters: Uncertain significance (2); Likely benign (1). Last evaluated 2025-05-17.

Conditions:
Cryopyrin associated periodic syndrome (CAPS). Identifiers: Orphanet 208650, MedGen C2316212, MONDO:0016168.
Autoinflammatory syndrome. Identifiers: Orphanet 93665, MedGen C3890737, MONDO:0019751.
Inborn genetic diseases. Identifiers: MedGen C0950123, MeSH D030342.

Submissions (3):

Labcorp Genetics (formerly Invitae), Labcorp
Classification: Uncertain significance for Cryopyrin associated periodic syndrome. Last evaluated: 2025-05-17. Review status: criteria provided, single submitter. Criteria: Invitae Variant Classification Sherloc (09022015). Collection method: clinical testing. Allele origin: germline.
Comment: This sequence change replaces isoleucine, which is neutral and non-polar, with threonine, which is neutral and polar, at codon 315 of the NLRP3 protein (p.Ile315Thr). This variant is not present in population databases (gnomAD no frequency). This variant has not been reported in the literature in individuals affected with NLRP3-related conditions. ClinVar contains an entry for this variant (Variation ID: 1694439). Invitae Evidence Modeling of protein sequence and biophysical properties (such as structural, functional, and spatial information, amino acid conservation, physicochemical variation, residue mobility, and thermodynamic stability) indicates that this missense variant is not expected to disrupt NLRP3 protein function with a negative predictive value of 95%. In summary, the available evidence is currently insufficient to determine the role of this variant in disease. Therefore, it has been classified as a Variant of Uncertain Significance.

Ambry Genetics
Classification: Likely benign for Inborn genetic diseases. Last evaluated: 2024-11-21. Review status: criteria provided, single submitter. Criteria: Ambry Variant Classification Scheme 2023. Collection method: clinical testing. Allele origin: germline.

Genome Diagnostics Laboratory, The Hospital for Sick Children
Classification: Uncertain significance for Autoinflammatory syndrome. Last evaluated: 2021-09-28. Review status: criteria provided, single submitter. Criteria: ACMG Guidelines, 2015. Collection method: clinical testing. Allele origin: germline. Affected: yes.

NM_001243133.2(NLRP3):c.938T>C (p.Ile313Thr)

Gene: NLRP3 (NLR family pyrin domain containing 3; plus strand). Cytogenetic location: 1q44.
Variant type: single nucleotide variant.
Coding change: c.938T>C on transcript NM_001243133.2 (MANE Select); coding-DNA position 938, T replaced by C.
Protein change: p.Ile313Thr; replaces isoleucine 313 with threonine.
Molecular consequence: missense variant.
Genome position (GRCh38, 1-based): chr1:247,424,387, T>C. VCF-style: chr1-247424387-T-C. GRCh37 (hg19) VCF-style: chr1-247587689-T-C.
Other names: c.938T>C, p.Ile313Thr (NM_001127462.3, NM_183395.3, NM_001079821.3 and 1 more transcripts); c.944T>C, p.Ile315Thr (NM_004895.5); short protein forms I313T, I315T.
Identifiers: ClinVar variation 1694439 (VCV001694439.9), dbSNP rs1477164195, ClinGen allele CA345555753.
Genomic context (GRCh38, chr1:247,424,387, plus strand): 5'-CCAGAATCCTCTTCCTCATGGACGGCTTCGATGAGCTGCAAGGTGCCTTTGACGAGCACA[T>C]AGGACCGCTCTGCACTGACTGGCAGAAGGCCGAGCGGGGAGACATTCTCCTGAGCAGCCT-3'
Protein context (NP_001230062.1, residues 303-323): DELQGAFDEH[Ile313Thr]GPLCTDWQKA